The following is an entry in ClinVar:

NM_000492.4(CFTR):c.2439T>C (p.Ser813=)

Gene: CFTR (CF transmembrane conductance regulator; plus strand). Cytogenetic location: 7q31.2.
Variant type: single nucleotide variant.
Coding change: c.2439T>C on transcript NM_000492.4 (MANE Select); coding-DNA position 2439, T replaced by C.
Protein change: p.Ser813=; no amino-acid change (serine 813 retained).
Molecular consequence: synonymous variant.
Genome position (GRCh38, 1-based): chr7:117,592,606, T>C. VCF-style: chr7-117592606-T-C. GRCh37 (hg19) VCF-style: chr7-117232660-T-C.
Identifiers: ClinVar variation 1643682 (VCV001643682.11), dbSNP rs2116033726, ClinGen allele CA457448967.

ClinVar aggregate classification (germline): Likely benign. Review status: criteria provided, multiple submitters, no conflicts (2 of 4 stars). 3 submissions from 3 submitters: Likely benign (3). Last evaluated 2025-12-11.

Conditions:
CFTR-related disorder (CFTR-RD). Also called: CFTR-related disorders; CFTR-related condition. Identifiers: MedGen C5924204, MONDO:7770004.
Cystic fibrosis (CF). Also called: MUCOVISCIDOSIS. Identifiers: Orphanet 586, MedGen C0010674, MONDO:0009061, OMIM 219700. Disease mechanism: loss of function.

Allele frequency attached by ClinVar (database versions not stated): gnomAD exomes below 0.00001.
gnomAD v4.1: 1 of 1,528,720 alleles (0.000065%); highest among the groups gnomAD compares: Admixed American, 0.0023%; no homozygotes.

Submissions (3):

Labcorp Genetics (formerly Invitae), Labcorp
Classification: Likely benign for Cystic fibrosis. Last evaluated: 2025-12-11. Review status: criteria provided, single submitter. Criteria: Invitae Variant Classification Sherloc (09022015). Collection method: clinical testing. Allele origin: germline.

PreventionGenetics, part of Exact Sciences
Classification: Likely benign for CFTR-related condition. Last evaluated: 2025-07-22. Review status: criteria provided, single submitter. Criteria: ACMG Guidelines, 2015. Collection method: clinical testing. Allele origin: germline.
Comment: This variant is classified as likely benign based on ACMG/AMP sequence variant interpretation guidelines (Richards et al. 2015 PMID: 25741868, with internal and published modifications).

Ambry Genetics
Classification: Likely benign for Cystic fibrosis. Last evaluated: 2019-08-09. Review status: criteria provided, single submitter. Criteria: Ambry Variant Classification Scheme 2023. Collection method: clinical testing. Allele origin: germline.